The following is an entry in ClinVar:

NM_000053.4(ATP7B):c.2785A>G (p.Ile929Val)

Gene: ATP7B (ATPase copper transporting beta; minus strand). Cytogenetic location: 13q14.3.
Variant type: single nucleotide variant.
Coding change: c.2785A>G on transcript NM_000053.4 (MANE Select); coding-DNA position 2785, A replaced by G.
Protein change: p.Ile929Val; replaces isoleucine 929 with valine.
Molecular consequence: missense variant. On other transcripts: intron variant (1).
Genome position (GRCh38, 1-based): chr13:51,949,742, T>C on the plus strand (A>G on the coding strand, the complement: ATP7B is on the minus strand). VCF-style: chr13-51949742-T-C. GRCh37 (hg19) VCF-style: chr13-52523878-T-C.
Other names: c.2452A>G, p.Ile818Val (NM_001243182.2); c.2551A>G, p.Ile851Val (NM_001330578.2); c.2533A>G, p.Ile845Val (NM_001330579.2); c.2244+265A>G (NM_001005918.3); short protein forms I929V, I851V, I845V, I818V.
Identifiers: ClinVar variation 193969 (VCV000193969.31), dbSNP rs534960245, ClinGen allele CA200886.
Genomic context (GRCh38, chr13:51,949,742, plus strand): 5'-CACCAAAATCGATAAAACCGATTACAATCCATACCACCAACGTCAAAGTTGACATGATGA[T>C]GATAAATGGGACAAAATATCCACTAAACCGGTCAGCCAGCTGCTGAATGGGTGCCTATGA-3'
Protein context (NP_000044.2, residues 919-939): RFSGYFVPFI[Ile929Val]IMSTLTLVVW

ClinVar aggregate classification (germline): Conflicting classifications of pathogenicity. Review status: criteria provided, conflicting classifications (1 of 4 stars). 13 submissions from 13 submitters: Uncertain significance (2); Benign (3); Likely benign (6). 2 of the submissions do not count toward it. Last evaluated 2026-02-02.

Conditions:
ATP7B-related disorder. Also called: ATP7B-related condition.
Wilson disease (WND). Also called: Wilson's disease. Identifiers: Orphanet 905, MedGen C0019202, MONDO:0010200, OMIM 277900. Disease mechanism: loss of function.

Allele frequency attached by ClinVar (database versions not stated): gnomAD exomes 0.00019 and 0.00091; gnomAD 0.00038 and 0.00045; TOPMed 0.00069; ExAC 0.00096; 1000 Genomes Project 30x 0.00125; 1000 Genomes Project 0.00140.
gnomAD v4.1: 350 of 1,614,126 alleles (0.022%); highest among the groups gnomAD compares: East Asian, 0.7%; 2 homozygotes.

Submissions (13):

Labcorp Genetics (formerly Invitae), Labcorp
Classification: Benign for Wilson disease. Last evaluated: 2026-02-02. Review status: criteria provided, single submitter. Criteria: Invitae Variant Classification Sherloc (09022015). Collection method: clinical testing. Allele origin: germline.

Mayo Clinic Laboratories, Mayo Clinic
Classification: Likely benign. Last evaluated: 2025-09-08. Review status: criteria provided, single submitter. Criteria: ACMG Guidelines, 2015. Collection method: clinical testing. Allele origin: germline. Observed: 5 variant alleles.
Comment: BS1, BP2

Blueprint Genetics
Classification: Likely benign. Last evaluated: 2024-11-18. Review status: criteria provided, single submitter. Criteria: ACMG Guidelines, 2015. Collection method: clinical testing. Allele origin: germline.

ARUP Laboratories, Molecular Genetics and Genomics, ARUP Laboratories
Classification: Likely benign for Wilson disease. Last evaluated: 2024-01-18. Review status: criteria provided, single submitter. Criteria: ARUP Molecular Germline Variant Investigation Process 2024. Collection method: clinical testing. Allele origin: germline.

Chongqing Key Laboratory of Child Rare Diseases in Infection and Immunity, Children’s Hospital of Chongqing Medical University
Classification: Uncertain significance for Wilson disease. Last evaluated: 2024-01-01. Review status: criteria provided, single submitter. Criteria: ACMG Guidelines, 2015. Collection method: clinical testing. Allele origin: germline. Inheritance: Autosomal recessive inheritance. Affected: yes.
Comment: Classified as Uncertain significance according to the ACMG/AMP 2015 guidelines (PMID:25741868). The classification was based on the available submitted evidence for Wilson disease (OMIM:277900), including clinical-testing observations, variant consequence/protein annotation, and published or ClinVar evidence where available. Supporting information considered: variant annotation: p.Ile929Val; Missense; Protein domain: P-domain-enriched; submitted notation: NM_000053.4:c.2785A>G (p.Ile929Val); source variant type: Missense; source domain: P-domain-enriched; allele count n=230: 1.

Color Diagnostics, LLC DBA Color Health
Classification: Likely benign for Wilson disease. Last evaluated: 2022-09-29. Review status: criteria provided, single submitter. Criteria: ACMG Guidelines, 2015. Collection method: clinical testing. Allele origin: germline.

Genome-Nilou Lab
Classification: Likely benign for Wilson disease. Last evaluated: 2021-08-10. Review status: criteria provided, single submitter. Criteria: ACMG Guidelines, 2015. Collection method: clinical testing. Allele origin: germline. Affected: no.

GeneDx
Classification: Likely benign. Last evaluated: 2017-10-03. Review status: criteria provided, single submitter. Criteria: GeneDx Variant Classification (06012015). Collection method: clinical testing. Allele origin: germline. Affected: yes.
Comment: This variant is considered likely benign or benign based on one or more of the following criteria: it is a conservative change, it occurs at a poorly conserved position in the protein, it is predicted to be benign by multiple in silico algorithms, and/or has population frequency not consistent with disease.

Illumina Laboratory Services, Illumina
Classification: Uncertain significance for Wilson disease. Last evaluated: 2017-04-28. Review status: criteria provided, single submitter. Criteria: ICSL Variant Classification Criteria 13 December 2019. Collection method: clinical testing. Allele origin: germline.
Comment: This variant was observed as part of a predisposition screen in an ostensibly healthy population. A literature search was performed for the gene, cDNA change, and amino acid change (where applicable). Publications were found based on this search. However, the evidence from the literature, in combination with allele frequency data from public databases where available, was not sufficient to rule this variant in or out of causing disease. Therefore, this variant is classified as a variant of unknown significance.

Women's Health and Genetics/Laboratory Corporation of America, LabCorp
Classification: Benign. Last evaluated: 2016-10-06. Review status: criteria provided, single submitter. Criteria: LabCorp Variant Classification Summary - May 2015. Collection method: clinical testing. Allele origin: germline.
Comment: Variant summary: The ATP7B c.2785A>G (p.Ile929Val) variant involves the alteration of a non-conserved nucleotide. Ile929 is located in the transmembrane domain, is highly conserved across species, and 3/4 in silico tools predict a benign outcome for this variant (SNPs&GO not captured due to low reliability index). However, yeast functional analyses showed no significant effect of this I929V. Additionally, this variant was found in 131/121316 control chromosomes (1 homozygote), predominantly observed in the East Asian subpopulation at a frequency of 0.0131243 (113/8610). This frequency is about 2 times the estimated maximal expected allele frequency of a pathogenic ATP7B variant (0.0054006), suggesting this is likely a benign polymorphism found primarily in the populations of East Asian origin. In addition, multiple sources, including a clinical diagnostic laboratory, a database, and publications, classified this variant as benign. Taken together, this variant is classified as Benign.

Eurofins Ntd Llc (ga)
Classification: Benign. Last evaluated: 2015-02-23. Review status: criteria provided, single submitter. Criteria: EGL Classification Definitions 2015. Collection method: clinical testing. Allele origin: germline. Observed: 2 variant alleles, 2 heterozygotes.

Natera, Inc.
Classification: Benign for Wilson disease. Last evaluated: 2020-04-15. Review status: no assertion criteria provided. Collection method: clinical testing. Allele origin: germline. Not counted in ClinVar's aggregate classification.

PreventionGenetics, part of Exact Sciences
Classification: Benign for ATP7B-related condition. Last evaluated: 2019-08-09. Review status: no assertion criteria provided. Collection method: clinical testing. Allele origin: germline. Not counted in ClinVar's aggregate classification.
Comment: This variant is classified as benign based on ACMG/AMP sequence variant interpretation guidelines (Richards et al. 2015 PMID: 25741868, with internal and published modifications).

Literature cited by the submitters: PubMed 21707886 (cited by Illumina Laboratory Services, Illumina); PubMed 17587212 (cited by Illumina Laboratory Services, Illumina and Women's Health and Genetics/Laboratory Corporation of America, LabCorp); PubMed 26807378 (cited by Illumina Laboratory Services, Illumina); PubMed 21219664 (cited by Illumina Laboratory Services, Illumina); PubMed 23235335 (cited by Illumina Laboratory Services, Illumina); PubMed 20045993 (cited by Illumina Laboratory Services, Illumina); PubMed 22692182 (cited by Illumina Laboratory Services, Illumina); PubMed 24253677 (cited by Illumina Laboratory Services, Illumina); PubMed 11405812 (cited by Illumina Laboratory Services, Illumina and Women's Health and Genetics/Laboratory Corporation of America, LabCorp); PubMed 27022412 (cited by Illumina Laboratory Services, Illumina and Women's Health and Genetics/Laboratory Corporation of America, LabCorp); PubMed 25130000 (cited by Illumina Laboratory Services, Illumina).